The following is an entry in ClinVar:

NM_014391.3(ANKRD1):c.790C>G (p.Arg264Gly)

Gene: ANKRD1 (ankyrin repeat domain 1; minus strand). Cytogenetic location: 10q23.31.
Variant type: single nucleotide variant.
Coding change: c.790C>G on transcript NM_014391.3 (MANE Select); coding-DNA position 790, C replaced by G.
Protein change: p.Arg264Gly; replaces arginine 264 with glycine.
Molecular consequence: missense variant.
Genome position (GRCh38, 1-based): chr10:90,915,602, G>C on the plus strand (C>G on the coding strand, the complement: ANKRD1 is on the minus strand). VCF-style: chr10-90915602-G-C. GRCh37 (hg19) VCF-style: chr10-92675359-G-C.
Other names: short protein forms R264G.
Identifiers: ClinVar variation 3613676 (VCV003613676.2).
Genomic context (GRCh38, chr10:90,915,602, plus strand): 5'-CACAGTTCTTGATGTTGAGATCCGCGCCATACATAATCAGGAGTCGGATCATCTTATAGC[G>C]GTTCAGTCTCACCGCATCATGCAACGGGGTATCTCCTTCCTAGAGAAGCAGAGTCAACAG-3'
Protein context (NP_055206.2, residues 254-274): TPLHDAVRLN[Arg264Gly]YKMIRLLIMY

ClinVar aggregate classification (germline): Uncertain significance (1 of 4 stars; one submission).

Conditions:
ANKRD1-related dilated cardiomyopathy. Identifiers: MedGen CN119551.

Submission:

Labcorp Genetics (formerly Invitae), Labcorp
Classification: Uncertain significance for ANKRD1-related dilated cardiomyopathy. Last evaluated: 2024-06-08. Review status: criteria provided, single submitter. Criteria: Invitae Variant Classification Sherloc (09022015). Collection method: clinical testing. Allele origin: germline.
Comment: This sequence change replaces arginine, which is basic and polar, with glycine, which is neutral and non-polar, at codon 264 of the ANKRD1 protein (p.Arg264Gly). This variant is present in population databases (no rsID available, gnomAD 0.006%). This missense change has been observed in individual(s) with dilated cardiomyopathy (PMID: 31983221). Advanced modeling of protein sequence and biophysical properties (such as structural, functional, and spatial information, amino acid conservation, physicochemical variation, residue mobility, and thermodynamic stability) performed at Invitae indicates that this missense variant is not expected to disrupt ANKRD1 protein function with a negative predictive value of 80%. In summary, the available evidence is currently insufficient to determine the role of this variant in disease. Therefore, it has been classified as a Variant of Uncertain Significance.

Literature cited by the submitters: PubMed 31983221.